The following is an entry in ClinVar:

NM_001134673.4(NFIA):c.1484G>A (p.Ser495Asn)

Gene: NFIA (nuclear factor I A; plus strand). Cytogenetic location: 1p31.3.
Variant type: single nucleotide variant.
Coding change: c.1484G>A on transcript NM_001134673.4 (MANE Select); coding-DNA position 1484, G replaced by A.
Protein change: p.Ser495Asn; replaces serine 495 with asparagine.
Molecular consequence: missense variant. On other transcripts: intron variant (1).
Genome position (GRCh38, 1-based): chr1:61,426,528, G>A. VCF-style: chr1-61426528-G-A. GRCh37 (hg19) VCF-style: chr1-61892200-G-A.
Other names: c.1460G>A, p.Ser487Asn (NM_001145511.2); c.1619G>A, p.Ser540Asn (NM_001145512.2); c.1420+19801G>A (NM_005595.5); short protein forms S487N, S495N, S540N.
Identifiers: ClinVar variation 4056651 (VCV004056651.1).

ClinVar aggregate classification (germline): Uncertain significance (1 of 4 stars; one submission).

Conditions:
Brain malformations with or without urinary tract defects. Also called: Brain malformations and urinary tract defects. Identifiers: MedGen C4478940, MONDO:0100478, OMIM 613735.

Submission:

Laboratorio de Genetica e Diagnostico Molecular, Hospital Israelita Albert Einstein
Classification: Uncertain significance for Brain malformations with or without urinary tract defects. Last evaluated: 2023-12-08. Review status: criteria provided, single submitter. Criteria: ACMG Guidelines, 2015. Collection method: clinical testing. Allele origin: germline. Affected: yes.
Comment: ACMG classification criteria: PM2 moderate, PP2 supporting, BP4 supporting